The following is an entry in ClinVar:

NM_020975.6(RET):c.2137-384C>T

Gene: RET (ret proto-oncogene; plus strand). Cytogenetic location: 10q11.21.
Variant type: single nucleotide variant.
Coding change: c.2137-384C>T on transcript NM_020975.6 (MANE Select); 384 bases into the intron before coding-DNA position 2137, C replaced by T.
Molecular consequence: intron variant.
Genome position (GRCh38, 1-based): chr10:43,116,200, C>T. VCF-style: chr10-43116200-C-T. GRCh37 (hg19) VCF-style: chr10-43611648-C-T.
Other names: c.2137-384C>T (NM_020630.7, NM_001406743.1, NM_001406744.1 and 2 more transcripts); c.2002-384C>T (NM_001406765.1, NM_001406763.1); c.1741-384C>T (NM_001406772.1, NM_001406769.1); c.1699-384C>T (NM_001406773.1, NM_001406771.1); c.1240-384C>T (NM_001406782.1, NM_001406780.1, NM_001406779.1 and 1 more transcripts); c.1105-384C>T (NM_001406787.1); c.1120-384C>T (NM_001406785.1); c.2008-384C>T (NM_001406764.1, NM_001406762.1, NM_001406761.1); and 10 more.
Identifiers: ClinVar variation 1879130 (VCV001879130.29), dbSNP rs189038012, ClinGen allele CA206263538.

ClinVar aggregate classification (germline): Benign (1 of 4 stars; one submission).

Allele frequency attached by ClinVar (database versions not stated): 1000 Genomes Project 30x 0.00172; 1000 Genomes Project 0.00180; TOPMed 0.00458; gnomAD 0.00494.
gnomAD v4.1: 746 of 152,300 alleles (0.49%); highest among the groups gnomAD compares: Middle Eastern, 0.68%; no homozygotes.

Submission:

CeGaT Center for Human Genetics Tuebingen
Classification: Benign. Last evaluated: 2025-08-01. Review status: criteria provided, single submitter. Criteria: CeGaT Center For Human Genetics Tuebingen Variant Classification Criteria Version 2. Collection method: clinical testing. Allele origin: germline. Affected: yes. Observed: 53 variant alleles.
Comment: RET: BS1, BS2